The following is an entry in ClinVar:

ClinVar aggregate classification (germline): Likely pathogenic (1 of 4 stars; one submission).

Conditions:
Marfan syndrome (MFS). Also called: MARFAN SYNDROME, TYPE I; FBN1-Related Marfan Syndrome; Marfan syndrome type 1; Marfan's syndrome; Marfan syndrome, classic. Identifiers: Orphanet 284963, Orphanet 558, MedGen C0024796, MONDO:0007947, OMIM 154700.

Submission:

Laboratory for Molecular Medicine, Mass General Brigham Personalized Medicine
Classification: Likely pathogenic for Marfan syndrome. Last evaluated: 2018-03-20. Review status: criteria provided, single submitter. Criteria: LMM Criteria. Collection method: clinical testing. Allele origin: germline. Inheritance: Autosomal dominant inheritance. Observed: 1 variant allele.
Comment: The p.Arg650fs variant in FBN1 has not been previously reported in individuals w ith clinical features of Marfan syndrome or in large population studies, though the ability of these studies to accurately detect indels may be limited. This va riant is predicted to cause a frameshift, which alters the protein?s amino acid sequence beginning at position 650 and leads to a premature termination codon 5 amino acids downstream. This alteration is then predicted to lead to a truncated or absent protein. Heterozygous loss of function of the FBN1 gene is an establi shed disease mechanism in individuals with Marfan syndrome. In summary, although additional studies are required to fully establish its clinical significance, t he p.Arg650fs variant is likely pathogenic. ACMG/AMP Criteria applied (Richards 2015): PVS1, PM2.

NM_000138.5(FBN1):c.1948dup (p.Arg650fs)

Gene: FBN1 (fibrillin 1; minus strand). Cytogenetic location: 15q21.1.
Variant type: Duplication.
Coding change: c.1948dup on transcript NM_000138.5 (MANE Select); coding-DNA position 1948, one base duplicated (C; older notation c.1948dupC).
Protein change: p.Arg650fs; shifts the reading frame from arginine 650.
Molecular consequence: frameshift variant.
Genome position (GRCh38, 1-based): chr15:48,505,037, G duplicated on the plus strand (C on the coding strand, the reverse complement: FBN1 is on the minus strand); the first of 2 consecutive G bases (chr15:48,505,037-48,505,038); duplicating either gives the same sequence. VCF-style (leftmost placement, unchanged base first): chr15-48505036-C-CG. GRCh37 (hg19) VCF-style: chr15-48797233-C-CG.
Other names: short protein forms R650fs.
Identifiers: ClinVar variation 667005 (VCV000667005.4), dbSNP rs1566913982, ClinGen allele CA913187682.